The following is an entry in ClinVar:

NM_001367624.2(ZNF469):c.2797C>G (p.Pro933Ala)

Gene: ZNF469 (zinc finger protein 469; plus strand). Cytogenetic location: 16q24.2.
Variant type: single nucleotide variant.
Coding change: c.2797C>G on transcript NM_001367624.2 (MANE Select); coding-DNA position 2797, C replaced by G.
Protein change: p.Pro933Ala; replaces proline 933 with alanine.
Molecular consequence: missense variant.
Genome position (GRCh38, 1-based): chr16:88,430,267, C>G. VCF-style: chr16-88430267-C-G. GRCh37 (hg19) VCF-style: chr16-88496675-C-G.
Other names: NM_001127464.1:c.2797C>G; short protein forms P933A.
Identifiers: ClinVar variation 1462119 (VCV001462119.7), dbSNP rs1233804840, ClinGen allele CA397075537.

ClinVar aggregate classification (germline): Uncertain significance. Review status: criteria provided, multiple submitters, no conflicts (2 of 4 stars). 2 submissions from 2 submitters: Uncertain significance (2). Last evaluated 2025-05-04.

Conditions:
Cardiovascular phenotype. Identifiers: MedGen CN230736.

Allele frequency attached by ClinVar (database versions not stated): TOPMed below 0.00001; gnomAD 0.00001; gnomAD exomes 0.00003.
gnomAD v4.1: 34 of 1,517,118 alleles (0.0022%); highest among the groups gnomAD compares: Non-Finnish European, 0.003%; no homozygotes.

Submissions (2):

Ambry Genetics
Classification: Uncertain significance for Cardiovascular phenotype. Last evaluated: 2025-05-04. Review status: criteria provided, single submitter. Criteria: Ambry Variant Classification Scheme 2023. Collection method: clinical testing. Allele origin: germline.

Labcorp Genetics (formerly Invitae), Labcorp
Classification: Uncertain significance. Last evaluated: 2025-01-19. Review status: criteria provided, single submitter. Criteria: Invitae Variant Classification Sherloc (09022015). Collection method: clinical testing. Allele origin: germline.
Comment: This sequence change replaces proline, which is neutral and non-polar, with alanine, which is neutral and non-polar, at codon 933 of the ZNF469 protein (p.Pro933Ala). This variant is not present in population databases (gnomAD no frequency). This variant has not been reported in the literature in individuals affected with ZNF469-related conditions. ClinVar contains an entry for this variant (Variation ID: 1462119). An algorithm developed to predict the effect of missense changes on protein structure and function (PolyPhen-2) suggests that this variant is likely to be tolerated. In summary, the available evidence is currently insufficient to determine the role of this variant in disease. Therefore, it has been classified as a Variant of Uncertain Significance.